The following is an entry in ClinVar:

NM_016360.4(TACO1):c.95C>T (p.Pro32Leu)

Gene: TACO1 (translational activator of cytochrome c oxidase I; plus strand). Cytogenetic location: 17q23.3.
Variant type: single nucleotide variant.
Coding change: c.95C>T on transcript NM_016360.4 (MANE Select); coding-DNA position 95, C replaced by T.
Protein change: p.Pro32Leu; replaces proline 32 with leucine.
Molecular consequence: missense variant.
Genome position (GRCh38, 1-based): chr17:63,601,178, C>T. VCF-style: chr17-63601178-C-T. GRCh37 (hg19) VCF-style: chr17-61678537-C-T.
Other names: p.Pro32Leu; short protein forms P32L.
Identifiers: ClinVar variation 4542209 (VCV004542209.1).

ClinVar aggregate classification (germline): Uncertain significance (1 of 4 stars; one submission).

gnomAD v4.1: 1 of 1,549,826 alleles (0.000065%); highest among the groups gnomAD compares: Non-Finnish European, 0.000087%; no homozygotes.

Submission:

Mayo Clinic Laboratories, Mayo Clinic
Classification: Uncertain significance. Last evaluated: 2025-10-30. Review status: criteria provided, single submitter. Criteria: ACMG Guidelines, 2015. Collection method: clinical testing. Allele origin: germline. Observed: 1 variant allele.
Comment: BP4_moderate, PM2_supporting